The following is an entry in ClinVar:

NM_004145.4(MYO9B):c.5051C>A (p.Thr1684Asn)

Gene: MYO9B (myosin IXB; plus strand). Cytogenetic location: 19p13.11.
Variant type: single nucleotide variant.
Coding change: c.5051C>A on transcript NM_004145.4 (MANE Select); coding-DNA position 5051, C replaced by A.
Protein change: p.Thr1684Asn; replaces threonine 1684 with asparagine.
Molecular consequence: missense variant.
Genome position (GRCh38, 1-based): chr19:17,205,323, C>A. VCF-style: chr19-17205323-C-A. GRCh37 (hg19) VCF-style: chr19-17316132-C-A.
Other names: c.5051C>A, p.Thr1684Asn (NM_001130065.2); c.5051C>A (NM_001130065.1); short protein forms T1684N.
Identifiers: ClinVar variation 2374087 (VCV002374087.5), dbSNP rs200272204, ClinGen allele CA9288398.
Genomic context (GRCh38, chr19:17,205,323, plus strand): 5'-TGTGCAAGATGACCTGCCACAAGAAGTGCGTGCACAAGATTCAGAGCCACTGCTCCTACA[C>A]CTACGGGAGGAAGGTGAGTGTACGAGGCCTGGAACTTTCTACAATGACACTCCACTCACG-3'
Protein context (NP_004136.2, residues 1674-1694): VHKIQSHCSY[Thr1684Asn]YGRKGEPGVE

ClinVar aggregate classification (germline): Uncertain significance. Review status: criteria provided, single submitter (1 of 4 stars). 2 submissions from 2 submitters: Uncertain significance (1). 1 of the submissions does not count toward it. Last evaluated 2024-10-25.

Conditions:
MYO9B-related disorder. Also called: MYO9B-related condition.

Allele frequency attached by ClinVar (database versions not stated): ExAC 0.00015; 1000 Genomes Project 30x 0.00031; 1000 Genomes Project 0.00040; ESP Exome Variant Server 0.00055.
gnomAD v4.1: 146 of 1,613,760 alleles (0.009%); highest among the groups gnomAD compares: African/African-American, 0.16%; no homozygotes.

Submissions (2):

Ambry Genetics
Classification: Uncertain significance. Last evaluated: 2024-10-25. Review status: criteria provided, single submitter. Criteria: Ambry Variant Classification Scheme 2023. Collection method: clinical testing. Allele origin: germline.

PreventionGenetics, part of Exact Sciences
Classification: Likely benign for MYO9B-related condition. Last evaluated: 2020-01-20. Review status: no assertion criteria provided. Collection method: clinical testing. Allele origin: germline. Not counted in ClinVar's aggregate classification.
Comment: This variant is classified as likely benign based on ACMG/AMP sequence variant interpretation guidelines (Richards et al. 2015 PMID: 25741868, with internal and published modifications).